The following is an entry in ClinVar:

ClinVar aggregate classification (germline): Uncertain significance (1 of 4 stars; one submission).

Submission:

GeneDx
Classification: Uncertain significance. Last evaluated: 2025-02-05. Review status: criteria provided, single submitter. Criteria: GeneDx Variant Classification Process June 2021. Collection method: clinical testing. Allele origin: germline. Affected: yes.
Comment: Not observed at significant frequency in large population cohorts (gnomAD); In silico analysis indicates that this missense variant does not alter protein structure/function; Has not been previously published as pathogenic or benign to our knowledge

NM_016148.5(SHANK1):c.3982G>A (p.Ala1328Thr)

Gene: SHANK1 (SH3 and multiple ankyrin repeat domains 1; minus strand). Cytogenetic location: 19q13.33.
Variant type: single nucleotide variant.
Coding change: c.3982G>A on transcript NM_016148.5 (MANE Select); coding-DNA position 3982, G replaced by A.
Protein change: p.Ala1328Thr; replaces alanine 1328 with threonine.
Molecular consequence: missense variant.
Genome position (GRCh38, 1-based): chr19:50,667,978, C>T on the plus strand (G>A on the coding strand, the complement: SHANK1 is on the minus strand). VCF-style: chr19-50667978-C-T. GRCh37 (hg19) VCF-style: chr19-51171235-C-T.
Other names: short protein forms A1328T.
Identifiers: ClinVar variation 4074502 (VCV004074502.1).